The following is an entry in ClinVar:

NM_021098.3(CACNA1H):c.4534G>A (p.Asp1512Asn)

Gene: CACNA1H (calcium voltage-gated channel subunit alpha1 H; plus strand). Cytogenetic location: 16p13.3.
Variant type: single nucleotide variant.
Coding change: c.4534G>A on transcript NM_021098.3 (MANE Select); coding-DNA position 4534, G replaced by A.
Protein change: p.Asp1512Asn; replaces aspartic acid 1512 with asparagine.
Molecular consequence: missense variant.
Genome position (GRCh38, 1-based): chr16:1,211,773, G>A. VCF-style: chr16-1211773-G-A. GRCh37 (hg19) VCF-style: chr16-1261773-G-A.
Other names: c.4534G>A, p.Asp1512Asn (NM_001005407.2); short protein forms D1512N.
Identifiers: ClinVar variation 460117 (VCV000460117.13), dbSNP rs200709671, ClinGen allele CA7801400.

ClinVar aggregate classification (germline): Conflicting classifications of pathogenicity. Review status: criteria provided, conflicting classifications (1 of 4 stars). 4 submissions from 4 submitters: Uncertain significance (3); Likely benign (1). Last evaluated 2026-02-02.

Conditions:
Hyperaldosteronism, familial, type IV (HALD4). Also called: FH IV; ALDOSTERONISM, PRIMARY, AND HYPERTENSION. Identifiers: Orphanet 642671, MedGen C4310756, MONDO:0014875, OMIM 617027.
Epilepsy, childhood absence, susceptibility to, 6. Identifiers: Orphanet 64280, MedGen C2749872, MONDO:0012763, OMIM 611942.
Inborn genetic diseases. Identifiers: MedGen C0950123, MeSH D030342.
Idiopathic generalized epilepsy. Also called: Generalised epilepsy; EIG. Identifiers: MedGen C0270850, MONDO:0005579, OMIM 600669.

Allele frequency attached by ClinVar (database versions not stated): ExAC 0.00006; ESP Exome Variant Server 0.00008; gnomAD exomes 0.00011; gnomAD 0.00016; TOPMed 0.00018.
gnomAD v4.1: 141 of 1,612,598 alleles (0.0087%); highest among the groups gnomAD compares: South Asian, 0.022%; no homozygotes.

Submissions (4):

Labcorp Genetics (formerly Invitae), Labcorp
Classification: Uncertain significance for Idiopathic generalized epilepsy; Hyperaldosteronism, familial, type IV. Last evaluated: 2026-02-02. Review status: criteria provided, single submitter. Criteria: Invitae Variant Classification Sherloc (09022015). Collection method: clinical testing. Allele origin: germline.
Comment: This sequence change replaces aspartic acid, which is acidic and polar, with asparagine, which is neutral and polar, at codon 1512 of the CACNA1H protein (p.Asp1512Asn). This variant is present in population databases (rs200709671, gnomAD 0.02%). This variant has not been reported in the literature in individuals affected with CACNA1H-related conditions. ClinVar contains an entry for this variant (Variation ID: 460117). Invitae Evidence Modeling of protein sequence and biophysical properties (such as structural, functional, and spatial information, amino acid conservation, physicochemical variation, residue mobility, and thermodynamic stability) indicates that this missense variant is not expected to disrupt CACNA1H protein function with a negative predictive value of 80%. In summary, the available evidence is currently insufficient to determine the role of this variant in disease. Therefore, it has been classified as a Variant of Uncertain Significance.

Ambry Genetics
Classification: Uncertain significance for Inborn genetic diseases. Last evaluated: 2025-11-20. Review status: criteria provided, single submitter. Criteria: Ambry Variant Classification Scheme 2023. Collection method: clinical testing. Allele origin: germline.

Blueprint Genetics
Classification: Likely benign. Last evaluated: 2024-11-21. Review status: criteria provided, single submitter. Criteria: ACMG Guidelines, 2015. Collection method: clinical testing. Allele origin: germline.

Fulgent Genetics
Classification: Uncertain significance for Epilepsy, childhood absence, susceptibility to, 6; Hyperaldosteronism, familial, type IV. Last evaluated: 2018-10-31. Review status: criteria provided, single submitter. Criteria: ACMG Guidelines, 2015. Collection method: clinical testing. Allele origin: unknown.